The following is an entry in ClinVar:

NM_001563.4(IMPG1):c.140G>C (p.Ser47Thr)

Gene: IMPG1 (interphotoreceptor matrix proteoglycan 1; minus strand). Cytogenetic location: 6q14.1.
Variant type: single nucleotide variant.
Coding change: c.140G>C on transcript NM_001563.4 (MANE Select); coding-DNA position 140, G replaced by C.
Protein change: p.Ser47Thr; replaces serine 47 with threonine.
Molecular consequence: missense variant. On other transcripts: intron variant (1).
Genome position (GRCh38, 1-based): chr6:76,042,054, C>G on the plus strand (G>C on the coding strand, the complement: IMPG1 is on the minus strand). VCF-style: chr6-76042054-C-G. GRCh37 (hg19) VCF-style: chr6-76751771-C-G.
Other names: c.68-7267G>C (NM_001282368.2); short protein forms S47T.
Identifiers: ClinVar variation 1491328 (VCV001491328.6), dbSNP rs1783853316, ClinGen allele CA364829883.
Genomic context (GRCh38, chr6:76,042,054, plus strand): 5'-CGATGCTTTGCCAAATCGAATATTCGTCTCATAGTTGACATTTTGTACATTTTTTCAGTA[C>G]TTTCAGTTGTTTCATTTCTTGGGGGATTGTCTATGTCTTTAGTTTCAGAATGGTATATGT-3'
Protein context (NP_001554.2, residues 37-57): DNPPRNETTE[Ser47Thr]TEKMYKMSTM

ClinVar aggregate classification (germline): Uncertain significance (1 of 4 stars; one submission).

Allele frequency attached by ClinVar (database versions not stated): gnomAD exomes below 0.00001; gnomAD 0.00001; TOPMed 0.00001.
gnomAD v4.1: 4 of 1,611,724 alleles (0.00025%); highest among the groups gnomAD compares: Admixed American, 0.0067%; no homozygotes.

Submission:

Labcorp Genetics (formerly Invitae), Labcorp
Classification: Uncertain significance. Last evaluated: 2022-10-24. Review status: criteria provided, single submitter. Criteria: Invitae Variant Classification Sherloc (09022015). Collection method: clinical testing. Allele origin: germline.
Comment: In summary, the available evidence is currently insufficient to determine the role of this variant in disease. Therefore, it has been classified as a Variant of Uncertain Significance. Algorithms developed to predict the effect of missense changes on protein structure and function (SIFT, PolyPhen-2, Align-GVGD) all suggest that this variant is likely to be tolerated. ClinVar contains an entry for this variant (Variation ID: 1491328). This variant has not been reported in the literature in individuals affected with IMPG1-related conditions. This variant is not present in population databases (gnomAD no frequency). This sequence change replaces serine, which is neutral and polar, with threonine, which is neutral and polar, at codon 47 of the IMPG1 protein (p.Ser47Thr).